The following is an entry in ClinVar:

NM_032043.3(BRIP1):c.681A>G (p.Gln227=)

Gene: BRIP1 (BRCA1 interacting DNA helicase 1; minus strand). Cytogenetic location: 17q23.2.
Variant type: single nucleotide variant.
Coding change: c.681A>G on transcript NM_032043.3 (MANE Select); coding-DNA position 681, A replaced by G.
Protein change: p.Gln227=; no amino-acid change (glutamine 227 retained).
Molecular consequence: synonymous variant.
Genome position (GRCh38, 1-based): chr17:61,808,704, T>C on the plus strand (A>G on the coding strand, the complement: BRIP1 is on the minus strand). VCF-style: chr17-61808704-T-C. GRCh37 (hg19) VCF-style: chr17-59886065-T-C.
Identifiers: ClinVar variation 758464 (VCV000758464.14), dbSNP rs1603346946, ClinGen allele CA501335717.

ClinVar aggregate classification (germline): Benign/Likely benign. Review status: criteria provided, multiple submitters, no conflicts (2 of 4 stars). 4 submissions from 4 submitters: Benign (1); Likely benign (3). Last evaluated 2025-10-18.

Conditions:
Hereditary cancer-predisposing syndrome. Also called: Tumor predisposition; Hereditary neoplastic syndrome; Neoplastic Syndromes, Hereditary; Hereditary Cancer Syndrome. Identifiers: Orphanet 140162, MedGen C0027672, MeSH D009386, MONDO:0015356.
Fanconi anemia complementation group J. Also called: BRIP1-Related Fanconi Anemia. Identifiers: Orphanet 84, MedGen C1836860, MONDO:0012187, OMIM 609054.
Familial cancer of breast. Also called: Hereditary breast cancer; hereditary breast carcinoma; BREAST CANCER, FAMILIAL. Identifiers: Orphanet 227535, MedGen C0346153, MONDO:0016419, OMIM 114480. Disease mechanism: loss of function.

Submissions (4):

Labcorp Genetics (formerly Invitae), Labcorp
Classification: Likely benign for Familial cancer of breast; Fanconi anemia complementation group J. Last evaluated: 2025-10-18. Review status: criteria provided, single submitter. Criteria: Invitae Variant Classification Sherloc (09022015). Collection method: clinical testing. Allele origin: germline.

Color Diagnostics, LLC DBA Color Health
Classification: Likely benign for Hereditary cancer-predisposing syndrome. Last evaluated: 2025-03-31. Review status: criteria provided, single submitter. Criteria: ACMG Guidelines, 2015. Collection method: clinical testing. Allele origin: germline.

Myriad Genetics, Inc.
Classification: Benign for Familial cancer of breast. Last evaluated: 2024-08-22. Review status: criteria provided, single submitter. Criteria: Myriad Autosomal Dominant, Autosomal Recessive and X-Linked Classification Criteria (2023). Collection method: clinical testing. Allele origin: unknown.
Comment: This variant is considered benign. This variant is a silent/synonymous amino acid change and it is not expected to impact splicing.

Blueprint Genetics
Classification: Likely benign. Last evaluated: 2022-07-29. Review status: criteria provided, single submitter. Criteria: ACMG Guidelines, 2015. Collection method: clinical testing. Allele origin: germline.